The following is an entry in ClinVar:

NM_001709.5(BDNF):c.-22+761G>A

Gene: BDNF (brain derived neurotrophic factor; minus strand). Cytogenetic location: 11p14.1.
Variant type: single nucleotide variant.
Coding change: c.-22+761G>A on transcript NM_001709.5 (MANE Select); 761 bases into the intron after 22 bases upstream of the start codon, G replaced by A.
Molecular consequence: intron variant. On other transcripts: missense variant (1), initiator codon variant (1).
Genome position (GRCh38, 1-based): chr11:27,699,403, C>T on the plus strand (G>A on the coding strand, the complement: BDNF is on the minus strand). VCF-style: chr11-27699403-C-T. GRCh37 (hg19) VCF-style: chr11-27720950-C-T.
Other names: c.3G>A, p.Met1Ile (NM_170734.4); c.3+22009G>A (NM_170731.5); c.-22+21241G>A (NM_001143805.1); c.-22+21026G>A (NM_001143806.1); c.-22+20943G>A (NM_170732.4); c.-22+20108G>A (NM_001143807.2); c.-22+1894G>A (NM_170733.4); c.-22+1578G>A (NM_001143808.2); and 6 more; short protein forms M1I.
Identifiers: ClinVar variation 5001013 (VCV005001013.1).

ClinVar aggregate classification (germline): Uncertain significance (1 of 4 stars; one submission).

Conditions:
BDNF-related disorder. Also called: BDNF-related condition.

gnomAD v4.1: 1 of 1,614,148 alleles (0.000062%); highest among the groups gnomAD compares: South Asian, 0.0011%; no homozygotes.

Submission:

PreventionGenetics, part of Exact Sciences
Classification: Uncertain significance for BDNF-related condition. Last evaluated: 2025-02-22. Review status: criteria provided, single submitter. Criteria: ACMG Guidelines, 2015. Collection method: clinical testing. Allele origin: germline.
Comment: The BDNF c.3G>A variant is predicted to disrupt the translation initiation site (p.Met1?). To our knowledge, this variant has not been reported in the literature or in a large population database (gnomAD), indicating this variant is rare. At this time, the clinical significance of this variant is uncertain due to the absence of conclusive functional and genetic evidence.